The following is an entry in ClinVar:

ClinVar aggregate classification (germline): Uncertain significance (1 of 4 stars; one submission).

Conditions:
Ehlers-Danlos syndrome, classic type, 1 (EDSCL1). Also called: EDS I; EHLERS-DANLOS SYNDROME, GRAVIS TYPE; EHLERS-DANLOS SYNDROME, SEVERE CLASSIC TYPE; Ehlers-Danlos syndrome, type 1; Ehlers-Danlos Syndrome, Classic Type, COL5A1-Related. Identifiers: MedGen C0268335, MONDO:0019567, OMIM 130000.

Allele frequency attached by ClinVar (database versions not stated): gnomAD exomes below 0.00001.
gnomAD v4.1: 3 of 1,612,470 alleles (0.00019%); highest among the groups gnomAD compares: Non-Finnish European, 0.00017%; no homozygotes.

Submission:

Labcorp Genetics (formerly Invitae), Labcorp
Classification: Uncertain significance for Ehlers-Danlos syndrome, classic type, 1. Last evaluated: 2022-01-17. Review status: criteria provided, single submitter. Criteria: Invitae Variant Classification Sherloc (09022015). Collection method: clinical testing. Allele origin: germline.
Comment: This sequence change replaces leucine, which is neutral and non-polar, with phenylalanine, which is neutral and non-polar, at codon 479 of the COL5A1 protein (p.Leu479Phe). This variant is not present in population databases (gnomAD no frequency). This variant has not been reported in the literature in individuals affected with COL5A1-related conditions. Advanced modeling of protein sequence and biophysical properties (such as structural, functional, and spatial information, amino acid conservation, physicochemical variation, residue mobility, and thermodynamic stability) performed at Invitae indicates that this missense variant is not expected to disrupt COL5A1 protein function. In summary, the available evidence is currently insufficient to determine the role of this variant in disease. Therefore, it has been classified as a Variant of Uncertain Significance.

NM_000093.5(COL5A1):c.1435C>T (p.Leu479Phe)

Gene: COL5A1 (collagen type V alpha 1 chain; plus strand). Cytogenetic location: 9q34.3.
Variant type: single nucleotide variant.
Coding change: c.1435C>T on transcript NM_000093.5 (MANE Select); coding-DNA position 1435, C replaced by T.
Protein change: p.Leu479Phe; replaces leucine 479 with phenylalanine.
Molecular consequence: missense variant.
Genome position (GRCh38, 1-based): chr9:134,738,749, C>T. VCF-style: chr9-134738749-C-T. GRCh37 (hg19) VCF-style: chr9-137630595-C-T.
Other names: c.1435C>T, p.Leu479Phe (NM_001278074.1); short protein forms L479F.
Identifiers: ClinVar variation 2421308 (VCV002421308.8), dbSNP rs2490536336, ClinGen allele CA375441272.